The following is an entry in ClinVar:

NM_001693.4(ATP6V1B2):c.43C>T (p.Pro15Ser)

Gene: ATP6V1B2 (ATPase H+ transporting V1 subunit B2; plus strand). Cytogenetic location: 8p21.3.
Variant type: single nucleotide variant.
Coding change: c.43C>T on transcript NM_001693.4 (MANE Select); coding-DNA position 43, C replaced by T.
Protein change: p.Pro15Ser; replaces proline 15 with serine.
Molecular consequence: missense variant.
Genome position (GRCh38, 1-based): chr8:20,197,449, C>T. VCF-style: chr8-20197449-C-T. GRCh37 (hg19) VCF-style: chr8-20054960-C-T.
Other names: short protein forms P15S.
Identifiers: ClinVar variation 2402238 (VCV002402238.13), dbSNP rs376671385, ClinGen allele CA4656685.

ClinVar aggregate classification (germline): Conflicting classifications of pathogenicity. Review status: criteria provided, conflicting classifications (1 of 4 stars). 6 submissions from 6 submitters: Uncertain significance (2); Benign (1); Likely benign (3). Last evaluated 2025-12-23.

Conditions:
Inborn genetic diseases. Identifiers: MedGen C0950123, MeSH D030342.
Intellectual disability. Also called: intellectual disabilities; Intellectual developmental disorder; Intellectual functioning disability. Identifiers: MedGen C3714756, MeSH D008607, MONDO:0001071, HP:0001249.

Allele frequency attached by ClinVar (database versions not stated): ESP Exome Variant Server 0.00015.
gnomAD v4.1: 565 of 1,539,350 alleles (0.037%); highest among the groups gnomAD compares: Non-Finnish European, 0.048%; no homozygotes.

Submissions (6):

Women's Health and Genetics/Laboratory Corporation of America, LabCorp
Classification: Uncertain significance. Last evaluated: 2025-12-23. Review status: criteria provided, single submitter. Criteria: LabCorp Variant Classification Summary - May 2015. Collection method: clinical testing. Allele origin: germline.
Comment: Variant summary: ATP6V1B2 c.43C>T (p.Pro15Ser) results in a non-conservative amino acid change in the encoded protein sequence. Algorithms developed to predict the effect of missense changes on protein structure and function are either unavailable or do not agree on the potential impact of this missense change. The variant allele was found at a frequency of 9.1e-05 in 164556 control chromosomes (gnomAD). This frequency is not significantly higher than estimated for disease-causing variants in ATP6V1B2, allowing no conclusion about variant significance. To our knowledge, no occurrence of c.43C>T in individuals affected with ATP6V1B2-related conditions and no experimental evidence demonstrating its impact on protein function have been reported. ClinVar contains an entry for this variant (Variation ID: 2402238). Based on the evidence outlined above, the variant was classified as uncertain significance.

CeGaT Center for Human Genetics Tuebingen
Classification: Likely benign. Last evaluated: 2025-12-01. Review status: criteria provided, single submitter. Criteria: CeGaT Center For Human Genetics Tuebingen Variant Classification Criteria Version 2. Collection method: clinical testing. Allele origin: germline. Affected: yes. Observed: 1 variant allele.
Comment: ATP6V1B2: BS2

Blueprint Genetics
Classification: Likely benign. Last evaluated: 2024-09-09. Review status: criteria provided, single submitter. Criteria: ACMG Guidelines, 2015. Collection method: clinical testing. Allele origin: germline.

Revvity Omics, Revvity
Classification: Uncertain significance. Last evaluated: 2022-01-21. Review status: criteria provided, single submitter. Criteria: ACMG Guidelines, 2015. Collection method: clinical testing. Allele origin: germline.

Ambry Genetics
Classification: Likely benign for Inborn genetic diseases. Last evaluated: 2021-09-17. Review status: criteria provided, single submitter. Criteria: Ambry Variant Classification Scheme 2023. Collection method: clinical testing. Allele origin: germline.

Cambridge Genomics Laboratory, East Genomic Laboratory Hub, NHS Genomic Medicine Service
Classification: Benign for Intellectual disability. Last evaluated: 2019-04-17. Review status: criteria provided, single submitter. Criteria: ACGS Best Practice Guidelines for Variant Classification in Rare Disease 2020. Collection method: clinical testing. Allele origin: germline. Affected: yes. Observed: 1 variant allele.